The following is an entry in ClinVar:

NM_000089.4(COL1A2):c.1404+1G>A

Gene: COL1A2 (collagen type I alpha 2 chain; plus strand). Cytogenetic location: 7q21.3.
Variant type: single nucleotide variant.
Coding change: c.1404+1G>A on transcript NM_000089.4 (MANE Select); the canonical splice donor site of the intron after coding-DNA position 1404, G replaced by A.
Molecular consequence: splice donor variant.
Genome position (GRCh38, 1-based): chr7:94,412,122, G>A. VCF-style: chr7-94412122-G-A. GRCh37 (hg19) VCF-style: chr7-94041434-G-A.
Other names: NC_000007.13:g.94041434G>A; IVS24DS, G-A, +1.
Identifiers: ClinVar variation 17275 (VCV000017275.6), dbSNP rs67162110, ClinGen allele CA212998.

ClinVar aggregate classification (germline): Pathogenic/Likely pathogenic. Review status: criteria provided, multiple submitters, no conflicts (2 of 4 stars). 3 submissions from 3 submitters: Pathogenic (1); Likely pathogenic (1). 1 of the submissions does not count toward it. Last evaluated 2024-12-18.

Conditions:
Ehlers-Danlos syndrome (EDS). Identifiers: Orphanet 98249, MedGen C0013720, MONDO:0020066.
Ehlers-Danlos syndrome, cardiac valvular type. Identifiers: Orphanet 230851, MedGen C4303789, MONDO:0009159, OMIM 225320.

Allele frequency attached by ClinVar (database versions not stated): gnomAD exomes 0.00001 and below 0.00001; ExAC 0.00002; TOPMed below 0.00001; gnomAD 0.00001.
gnomAD v4.1: 6 of 1,611,596 alleles (0.00037%); highest among the groups gnomAD compares: Admixed American, 0.0017%; no homozygotes.

Submissions (4):

GeneDx
Classification: Pathogenic. Last evaluated: 2024-12-18. Review status: criteria provided, single submitter. Criteria: GeneDx Variant Classification Process June 2021. Collection method: clinical testing. Allele origin: germline. Affected: yes.
Comment: Canonical splice site variant predicted to result in an in-frame loss of the adjacent exon in a gene for which loss of function is a known mechanism of disease; Not observed at significant frequency in large population cohorts (gnomAD); This variant is associated with the following publications: (PMID: 25525159, Nadyrshina2021[article], 15077201, 32629534, 3049731, 28306225, 3383844)

Genome Diagnostics Laboratory, The Hospital for Sick Children
Classification: Likely pathogenic for Ehlers-Danlos syndrome. Last evaluated: 2020-08-21. Review status: criteria provided, single submitter. Criteria: ACMG Guidelines, 2015. Collection method: clinical testing. Allele origin: germline.

OMIM
Classification: Pathogenic for EHLERS-DANLOS SYNDROME, CARDIAC VALVULAR TYPE. Last evaluated: 2004-05-01. Review status: no assertion criteria provided. Collection method: literature only. Allele origin: germline. Not counted in ClinVar's aggregate classification.

Dr. Peter K. Rogan Lab, Western University
No classification provided (evidence only). Condition: Familial cancer of breast. Review status: no classification provided. Collection method: in vitro. Allele origin: not applicable. Functional consequence: retained intron. Not counted in ClinVar's aggregate classification.

Literature cited by the submitters: PubMed 3383844 (cited by OMIM); PubMed 3049731 (cited by OMIM); PubMed 15077201 (cited by OMIM).